The following is an entry in ClinVar:

ClinVar aggregate classification (germline): Conflicting classifications of pathogenicity. Review status: criteria provided, conflicting classifications (1 of 4 stars). 4 submissions from 4 submitters: Uncertain significance (1); Likely benign (2). 1 of the submissions does not count toward it. Last evaluated 2025-12-02.

Conditions:
Cardiovascular phenotype. Identifiers: MedGen CN230736.
Alstrom syndrome (ALMS). Identifiers: Orphanet 64, MedGen C0268425, MONDO:0008763, OMIM 203800.

Allele frequency attached by ClinVar (database versions not stated): TOPMed 0.00005.
gnomAD v4.1: 72 of 1,596,226 alleles (0.0045%); highest among the groups gnomAD compares: Non-Finnish European, 0.0059%; no homozygotes.

Submissions (4):

Labcorp Genetics (formerly Invitae), Labcorp
Classification: Likely benign for Alstrom syndrome. Last evaluated: 2025-12-02. Review status: criteria provided, single submitter. Criteria: Invitae Variant Classification Sherloc (09022015). Collection method: clinical testing. Allele origin: germline.

Ambry Genetics
Classification: Likely benign for Cardiovascular phenotype. Last evaluated: 2019-12-26. Review status: criteria provided, single submitter. Criteria: Ambry Variant Classification Scheme 2023. Collection method: clinical testing. Allele origin: germline.

Women's Health and Genetics/Laboratory Corporation of America, LabCorp
Classification: Uncertain significance. Last evaluated: 2018-06-25. Review status: criteria provided, single submitter. Criteria: LabCorp Variant Classification Summary - May 2015. Collection method: clinical testing. Allele origin: germline.
Comment: Variant summary: ALMS1 c.207C>T (alternative name c.210C>T) alters a non-conserved nucleotide resulting in a synonymous change. 5/5 computational tools predict no significant impact on normal splicing. However, these predictions have yet to be confirmed by functional studies. The variant was absent in 35530 control chromosomes (gnomAD). The available data on variant occurrences in the general population are insufficient to allow any conclusion about variant significance. To our knowledge, no occurrence of c.207C>T in individuals affected with Cardiomyopathy and no experimental evidence demonstrating its impact on protein function have been reported. No clinical diagnostic laboratories have submitted clinical-significance assessments for this variant to ClinVar after 2014. Based on the evidence outlined above, the variant was classified as VUS-possibly benign.

Counsyl
Classification: Likely benign for Alstrom syndrome. Last evaluated: 2017-06-06. Review status: no assertion criteria provided. Collection method: clinical testing. Allele origin: unknown. Not counted in ClinVar's aggregate classification.

NM_001378454.1(ALMS1):c.207C>T (p.Asp69=)

Gene: ALMS1 (ALMS1 centrosome and basal body associated protein; plus strand). Cytogenetic location: 2p13.1.
Variant type: single nucleotide variant.
Coding change: c.207C>T on transcript NM_001378454.1 (MANE Select); coding-DNA position 207, C replaced by T.
Protein change: p.Asp69=; no amino-acid change (aspartic acid 69 retained).
Molecular consequence: synonymous variant.
Genome position (GRCh38, 1-based): chr2:73,386,075, C>T. VCF-style: chr2-73386075-C-T. GRCh37 (hg19) VCF-style: chr2-73613203-C-T.
Other names: c.210C>T, p.Asp70= (NM_015120.4).
Identifiers: ClinVar variation 552338 (VCV000552338.15), dbSNP rs752874408, ClinGen allele CA50369071.
Genomic context (GRCh38, chr2:73,386,075, plus strand): 5'-GGCGGGGCGGGAGTTGGACTCCGACTCTCACTACGGGCCCCAGCATCTGGAAAGTATAGA[C>T]GACGAGGAGGACGAGGAGGCCAAGGCCTGGCTGCAGGCGCACCCCGGCAGGATTTTGCCT-3'
Protein context (NP_001365383.1, residues 59-79): HYGPQHLESI[Asp69=]DEEDEEAKAW